The following is an entry in ClinVar:

NM_005359.6(SMAD4):c.266G>T (p.Gly89Val)

Gene: SMAD4 (SMAD family member 4; plus strand). Cytogenetic location: 18q21.2.
Variant type: single nucleotide variant.
Coding change: c.266G>T on transcript NM_005359.6 (MANE Select); coding-DNA position 266, G replaced by T.
Protein change: p.Gly89Val; replaces glycine 89 with valine.
Molecular consequence: missense variant. On other transcripts: non-coding transcript variant (2).
Genome position (GRCh38, 1-based): chr18:51,048,702, G>T. VCF-style: chr18-51048702-G-T. GRCh37 (hg19) VCF-style: chr18-48575072-G-T.
Other names: c.266G>T, p.Gly89Val (NM_001407041.1, NM_001407042.1, NM_001407043.1); short protein forms G89V.
Identifiers: ClinVar variation 3798817 (VCV003798817.1).

ClinVar aggregate classification (germline): Uncertain significance (1 of 4 stars; one submission).

Conditions:
Familial thoracic aortic aneurysm and aortic dissection (TAAD). Also called: Thoracic aortic aneurysms and dissections. Identifiers: Orphanet 91387, MedGen C4707243, MONDO:0019625.
Hereditary cancer-predisposing syndrome. Also called: Neoplastic Syndromes, Hereditary; Hereditary Cancer Syndrome; Tumor predisposition; Hereditary neoplastic syndrome. Identifiers: Orphanet 140162, MedGen C0027672, MeSH D009386, MONDO:0015356.

Submission:

Ambry Genetics
Classification: Uncertain significance for Hereditary cancer-predisposing syndrome; Familial thoracic aortic aneurysm and aortic dissection. Last evaluated: 2025-03-06. Review status: criteria provided, single submitter. Criteria: Ambry Variant Classification Scheme 2023. Collection method: clinical testing. Allele origin: germline.
Comment: The p.G89V variant (also known as c.266G>T), located in coding exon 2 of the SMAD4 gene, results from a G to T substitution at nucleotide position 266. The glycine at codon 89 is replaced by valine, an amino acid with dissimilar properties. This amino acid position is highly conserved in available vertebrate species. In addition, this alteration is predicted to be deleterious by in silico analysis. Based on the available evidence, the clinical significance of this variant remains unclear.